The following is an entry in ClinVar:

NM_002336.3(LRP6):c.3625C>T (p.Gln1209Ter)

Gene: LRP6 (LDL receptor related protein 6; minus strand). Cytogenetic location: 12p13.2.
Variant type: single nucleotide variant.
Coding change: c.3625C>T on transcript NM_002336.3 (MANE Select); coding-DNA position 3625, C replaced by T.
Protein change: p.Gln1209Ter; replaces glutamine 1209 with a stop codon.
Molecular consequence: nonsense. On other transcripts: non-coding transcript variant (1), intron variant (1).
Genome position (GRCh38, 1-based): chr12:12,135,283, G>A on the plus strand (C>T on the coding strand, the complement: LRP6 is on the minus strand). VCF-style: chr12-12135283-G-A. GRCh37 (hg19) VCF-style: chr12-12288217-G-A.
Other names: c.3718C>T, p.Gln1240Ter (NM_001414244.1); c.3625C>T, p.Gln1209Ter (NM_001414245.1, NM_001414246.1, NM_001414248.1 and 2 more transcripts); c.3427C>T, p.Gln1143Ter (NM_001414247.1); c.3172C>T, p.Gln1058Ter (NM_001414252.1, NM_001414253.1, NM_001414254.1); c.3118C>T, p.Gln1040Ter (NM_001414255.1); c.3607+3042C>T (NM_001414251.1); short protein forms Q1058*, Q1209*, Q1240*, Q1143*, Q1040*.
Identifiers: ClinVar variation 2722635 (VCV002722635.3), dbSNP rs2498664359, ClinGen allele CA383953144.

ClinVar aggregate classification (germline): Pathogenic (1 of 4 stars; one submission).

Submission:

Labcorp Genetics (formerly Invitae), Labcorp
Classification: Pathogenic. Last evaluated: 2023-12-03. Review status: criteria provided, single submitter. Criteria: Invitae Variant Classification Sherloc (09022015). Collection method: clinical testing. Allele origin: germline.
Comment: This sequence change creates a premature translational stop signal (p.Gln1209*) in the LRP6 gene. It is expected to result in an absent or disrupted protein product. Loss-of-function variants in LRP6 are known to be pathogenic (PMID: 26387593). This variant is not present in population databases (gnomAD no frequency). This variant has not been reported in the literature in individuals affected with LRP6-related conditions. For these reasons, this variant has been classified as Pathogenic.

Literature cited by the submitters: PubMed 26387593.